The following is an entry in ClinVar:

ClinVar aggregate classification (germline): Uncertain significance (1 of 4 stars; one submission).

Conditions:
Inborn genetic diseases. Identifiers: MedGen C0950123, MeSH D030342.

Submission:

Ambry Genetics
Classification: Uncertain significance for Inborn genetic diseases. Last evaluated: 2025-09-19. Review status: criteria provided, single submitter. Criteria: Ambry Variant Classification Scheme 2023. Collection method: clinical testing. Allele origin: germline.
Comment: The p.K1025E variant (also known as c.3073A>G), located in coding exon 13 of the ASXL1 gene, results from an A to G substitution at nucleotide position 3073. The lysine at codon 1025 is replaced by glutamic acid, an amino acid with similar properties. This amino acid position is conserved. In addition, this alteration is predicted to be tolerated by in silico analysis. Based on the available evidence, the clinical significance of this variant remains unclear.

NM_015338.6(ASXL1):c.3073A>G (p.Lys1025Glu)

Gene: ASXL1 (ASXL transcriptional regulator 1; plus strand). Cytogenetic location: 20q11.21.
Variant type: single nucleotide variant.
Coding change: c.3073A>G on transcript NM_015338.6 (MANE Select); coding-DNA position 3073, A replaced by G.
Protein change: p.Lys1025Glu; replaces lysine 1025 with glutamic acid.
Molecular consequence: missense variant.
Genome position (GRCh38, 1-based): chr20:32,435,785, A>G. VCF-style: chr20-32435785-A-G. GRCh37 (hg19) VCF-style: chr20-31023588-A-G.
Other names: c.2890A>G, p.Lys964Glu (NM_001363734.1); short protein forms K1025E, K964E.
Identifiers: ClinVar variation 4587191 (VCV004587191.1).
Genomic context (GRCh38, chr20:32,435,785, plus strand): 5'-TTTGAAGGTCACCTCACGGAGGACAGCAGTGAGGCTGACACTAGAGAAGCTGCAGTGACA[A>G]AGGGATCTTCGGTGGACAAGGATGAGAAACCCAATTGGAACCAATCTGCCCCACTGTCCA-3'
Protein context (NP_056153.2, residues 1015-1035): EADTREAAVT[Lys1025Glu]GSSVDKDEKP